The following is an entry in ClinVar:

NM_198252.3(GSN):c.227C>T (p.Ala76Val)

Gene: GSN (gelsolin; plus strand). Cytogenetic location: 9q33.2.
Variant type: single nucleotide variant.
Coding change: c.227C>T on transcript NM_198252.3 (MANE Select); coding-DNA position 227, C replaced by T.
Protein change: p.Ala76Val; replaces alanine 76 with valine.
Molecular consequence: missense variant. On other transcripts: 5 prime UTR variant (1).
Genome position (GRCh38, 1-based): chr9:121,302,941, C>T. VCF-style: chr9-121302941-C-T. GRCh37 (hg19) VCF-style: chr9-124065219-C-T.
Other names: p.Ala127Val; c.380C>T, p.Ala127Val (NM_000177.5); c.227C>T, p.Ala76Val (NM_001127662.2, NM_001127664.2, NM_001127665.2 and 10 more transcripts); c.335C>T, p.Ala112Val (NM_001127663.2); c.260C>T, p.Ala87Val (NM_001127666.2, NM_001127667.2, NM_001353063.2 and 13 more transcripts); c.278C>T, p.Ala93Val (NM_001258029.2); c.251C>T, p.Ala84Val (NM_001258030.2); c.299C>T, p.Ala100Val (NM_001353076.2); and 1 more; short protein forms A127V, A87V, A93V, A100V, A76V, A84V, A112V.
Identifiers: ClinVar variation 512121 (VCV000512121.12), dbSNP rs79630438, ClinGen allele CA5220808.

ClinVar aggregate classification (germline): Benign/Likely benign. Review status: criteria provided, multiple submitters, no conflicts (2 of 4 stars). 4 submissions from 4 submitters: Benign (1); Likely benign (3). Last evaluated 2026-01-27.

Allele frequency attached by ClinVar (database versions not stated): gnomAD exomes 0.00056 and 0.00162; ExAC 0.00191; 1000 Genomes Project 0.00579; gnomAD 0.00622 and 0.00674; ESP Exome Variant Server 0.00692; TOPMed 0.00717; 1000 Genomes Project 30x 0.00734.
gnomAD v4.1: 1,802 of 1,613,902 alleles (0.11%); highest among the groups gnomAD compares: African/African-American, 2.1%; 16 homozygotes.

Submissions (4):

Labcorp Genetics (formerly Invitae), Labcorp
Classification: Benign. Last evaluated: 2026-01-27. Review status: criteria provided, single submitter. Criteria: Invitae Variant Classification Sherloc (09022015). Collection method: clinical testing. Allele origin: germline.

Mayo Clinic Laboratories, Mayo Clinic
Classification: Likely benign. Last evaluated: 2025-06-19. Review status: criteria provided, single submitter. Criteria: ACMG Guidelines, 2015. Collection method: clinical testing. Allele origin: germline. Observed: 4 variant alleles.
Comment: BS1, BP4

GeneDx
Classification: Likely benign. Last evaluated: 2017-09-18. Review status: criteria provided, single submitter. Criteria: GeneDx Variant Classification (06012015). Collection method: clinical testing. Allele origin: germline. Affected: yes.
Comment: This variant is considered likely benign or benign based on one or more of the following criteria: it is a conservative change, it occurs at a poorly conserved position in the protein, it is predicted to be benign by multiple in silico algorithms, and/or has population frequency not consistent with disease.

Breakthrough Genomics
Classification: Likely benign. Review status: criteria provided, single submitter. Criteria: ACMG Guidelines, 2015. Collection method: not provided. Allele origin: germline. Inheritance: Autosomal dominant inheritance. Affected: yes.